The following is an entry in ClinVar:

ClinVar aggregate classification (germline): Likely benign (0 of 4 stars; one submission).

Conditions:
CUX2-related disorder. Also called: CUX2-related condition.

Allele frequency attached by ClinVar (database versions not stated): gnomAD exomes below 0.00001; ExAC 0.00001; TOPMed 0.00001.
gnomAD v4.1: 4 of 1,613,728 alleles (0.00025%); highest among the groups gnomAD compares: Admixed American, 0.0033%; no homozygotes.

Submission:

PreventionGenetics, part of Exact Sciences
Classification: Likely benign for CUX2-related condition. Last evaluated: 2023-09-11. Review status: no assertion criteria provided. Collection method: clinical testing. Allele origin: germline.
Comment: This variant is classified as likely benign based on ACMG/AMP sequence variant interpretation guidelines (Richards et al. 2015 PMID: 25741868, with internal and published modifications).

NM_015267.4(CUX2):c.3869C>T (p.Thr1290Ile)

Gene: CUX2 (cut like homeobox 2; plus strand). Cytogenetic location: 12q24.12.
Variant type: single nucleotide variant.
Coding change: c.3869C>T on transcript NM_015267.4 (MANE Select); coding-DNA position 3869, C replaced by T.
Protein change: p.Thr1290Ile; replaces threonine 1290 with isoleucine.
Molecular consequence: missense variant.
Genome position (GRCh38, 1-based): chr12:111,347,733, C>T. VCF-style: chr12-111347733-C-T. GRCh37 (hg19) VCF-style: chr12-111785537-C-T.
Other names: c.3683C>T, p.Thr1228Ile (NM_001370598.1); short protein forms T1228I, T1290I.
Identifiers: ClinVar variation 3053756 (VCV003053756.2), dbSNP rs774623188, ClinGen allele CA6789241.